The following is an entry in ClinVar:

NM_152403.4(EGFLAM):c.2766C>T (p.Ala922=)

Genes: EGFLAM (EGF like, fibronectin type III and laminin G domains; plus strand), EGFLAM-AS5 (EGFLAM antisense RNA 5; minus strand). Cytogenetic location: 5p13.1.
Variant type: single nucleotide variant.
Coding change: c.2766C>T on transcript NM_152403.4 (MANE Select); coding-DNA position 2766, C replaced by T.
Protein change: p.Ala922=; no amino-acid change (alanine 922 retained).
Molecular consequence: synonymous variant.
Genome position (GRCh38, 1-based): chr5:38,458,389, C>T. VCF-style: chr5-38458389-C-T. GRCh37 (hg19) VCF-style: chr5-38458491-C-T.
Other names: c.2790C>T, p.Ala930= (NM_001205301.2); c.2064C>T, p.Ala688= (NM_182798.3); c.195C>T, p.Ala65= (NM_182801.3).
Identifiers: ClinVar variation 2655435 (VCV002655435.24), dbSNP rs371848483, ClinGen allele CA3242347.
Genomic context (GRCh38, chr5:38,458,389, plus strand): 5'-TGTGGCATCCATCATGGTGAATGGCTCCTTCAACGATGGTCGGTGGCACCGAGTTAAGGC[C>T]GTTAGGTGAGTCCCTCCCGCAGCATGAGGCAGAGCCAGAGCTGAGCAGTGGTGGGATGTG-3'
Protein context (NP_689616.2, residues 912-932): FNDGRWHRVK[Ala922=]VRDGQSGKIT

ClinVar aggregate classification (germline): Likely benign (1 of 4 stars; one submission).

Allele frequency attached by ClinVar (database versions not stated): ExAC 0.00004; ESP Exome Variant Server 0.00008; gnomAD 0.00011; TOPMed 0.00012.
gnomAD v4.1: 101 of 1,613,890 alleles (0.0063%); highest among the groups gnomAD compares: Middle Eastern, 0.033%; no homozygotes.

Submission:

CeGaT Center for Human Genetics Tuebingen
Classification: Likely benign. Last evaluated: 2022-05-01. Review status: criteria provided, single submitter. Criteria: CeGaT Center For Human Genetics Tuebingen Variant Classification Criteria Version 2. Collection method: clinical testing. Allele origin: germline. Affected: yes. Observed: 1 variant allele.
Comment: EGFLAM: BP4, BP7